The following is an entry in ClinVar:

ClinVar aggregate classification (germline): Uncertain significance (1 of 4 stars; one submission).

Conditions:
Neurofibromatosis, type 2 (SWNV). Also called: BILATERAL ACOUSTIC NEUROFIBROMATOSIS; NF2-Related Schwannomatosis; SCHWANNOMATOSIS, VESTIBULAR. Identifiers: Orphanet 637, MedGen C0027832, MONDO:0007039, OMIM 101000. Disease mechanism: loss of function.

Submission:

Labcorp Genetics (formerly Invitae), Labcorp
Classification: Uncertain significance for Neurofibromatosis, type 2. Last evaluated: 2025-04-20. Review status: criteria provided, single submitter. Criteria: Invitae Variant Classification Sherloc (09022015). Collection method: clinical testing. Allele origin: germline.
Comment: This sequence change replaces threonine, which is neutral and polar, with serine, which is neutral and polar, at codon 251 of the NF2 protein (p.Thr251Ser). This variant is not present in population databases (gnomAD no frequency). This variant has not been reported in the literature in individuals affected with NF2-related conditions. Invitae Evidence Modeling of protein sequence and biophysical properties (such as structural, functional, and spatial information, amino acid conservation, physicochemical variation, residue mobility, and thermodynamic stability) indicates that this missense variant is not expected to disrupt NF2 protein function with a negative predictive value of 80%. In summary, the available evidence is currently insufficient to determine the role of this variant in disease. Therefore, it has been classified as a Variant of Uncertain Significance.

NM_000268.4(NF2):c.751A>T (p.Thr251Ser)

Gene: NF2 (NF2, moesin-ezrin-radixin like (MERLIN) tumor suppressor; plus strand). Cytogenetic location: 22q12.2.
Variant type: single nucleotide variant.
Coding change: c.751A>T on transcript NM_000268.4 (MANE Select); coding-DNA position 751, A replaced by T.
Protein change: p.Thr251Ser; replaces threonine 251 with serine.
Molecular consequence: missense variant. On other transcripts: non-coding transcript variant (1), intron variant (4).
Genome position (GRCh38, 1-based): chr22:29,661,280, A>T. VCF-style: chr22-29661280-A-T. GRCh37 (hg19) VCF-style: chr22-30057269-A-T.
Other names: c.637A>T, p.Thr213Ser (NM_001407053.1, NM_001407056.1); c.628A>T, p.Thr210Ser (NM_001407054.1, NM_001407058.1, NM_181829.3); c.625A>T, p.Thr209Ser (NM_001407055.1, NM_181828.3); c.751A>T, p.Thr251Ser (NM_001407060.1, NM_001407066.1, NM_016418.5 and 2 more transcripts); c.502A>T, p.Thr168Ser (NM_001407063.1, NM_001407064.1, NM_181830.3 and 1 more transcripts); c.217A>T, p.Thr73Ser (NM_001407065.1); c.520A>T, p.Thr174Ser (NM_001407067.1); c.675+3016A>T (NM_001407059.1, NM_001407057.1); and 2 more; short protein forms T168S, T174S, T209S, T210S, T213S, T251S, T73S.
Identifiers: ClinVar variation 4807801 (VCV004807801.1).